The following is an entry in ClinVar:

ClinVar aggregate classification (germline): Benign (1 of 4 stars; one submission).

Conditions:
Retinoblastoma (RB1). Also called: RETINOBLASTOMA, SOMATIC. Identifiers: Orphanet 790, MedGen C0035335, MeSH D012175, MONDO:0008380, OMIM 180200, HP:0009919. Disease mechanism: loss of function. Inheritance: Both sporadic and heritable forms are tested..

Submission:

Myriad Genetics, Inc.
Classification: Benign for Retinoblastoma. Last evaluated: 2026-06-24. Review status: criteria provided, single submitter. Criteria: Myriad Autosomal Dominant, Autosomal Recessive and X-Linked Classification Criteria (2023). Collection method: clinical testing. Allele origin: unknown.
Comment: This variant is considered benign. This variant is a silent/synonymous amino acid change and it is not expected to impact splicing.

NM_000321.3(RB1):c.969A>G (p.Glu323=)

Gene: RB1 (RB transcriptional corepressor 1; plus strand). Cytogenetic location: 13q14.2.
Variant type: single nucleotide variant.
Coding change: c.969A>G on transcript NM_000321.3 (MANE Select); coding-DNA position 969, A replaced by G.
Protein change: p.Glu323=; no amino-acid change (glutamic acid 323 retained).
Molecular consequence: synonymous variant.
Genome position (GRCh38, 1-based): chr13:48,367,523, A>G. VCF-style: chr13-48367523-A-G. GRCh37 (hg19) VCF-style: chr13-48941659-A-G.
Other names: c.969A>G, p.Glu323= (NM_001407166.1, NM_001407165.1).
Identifiers: ClinVar variation 4875925 (VCV004875925.1).
Genomic context (GRCh38, chr13:48,367,523, plus strand): 5'-GGATAATTGTCAGTGACTTTTTTCTTTCAAGGTTGAAAATCTTTCTAAACGATACGAAGA[A>G]ATTTATCTTAAAAATAAAGATCTAGATGCAAGATTATTTTTGGATCATGATAAAACTCTT-3'
Protein context (NP_000312.2, residues 313-333): EVENLSKRYE[Glu323=]IYLKNKDLDA